The following is an entry in ClinVar:

NM_020750.3(XPO5):c.2395T>C (p.Phe799Leu)

Genes: POLR1C (RNA polymerase I and III subunit C; plus strand), XPO5 (exportin 5; minus strand). Cytogenetic location: 6p21.1.
Variant type: single nucleotide variant.
Coding change: c.2395T>C on transcript NM_020750.3 (MANE Select); coding-DNA position 2395, T replaced by C.
Protein change: p.Phe799Leu; replaces phenylalanine 799 with leucine.
Molecular consequence: missense variant. On other transcripts: non-coding transcript variant (1), intron variant (1).
Genome position (GRCh38, 1-based): chr6:43,533,955, A>G on the plus strand (T>C on the coding strand, the complement: XPO5 is on the minus strand). VCF-style: chr6-43533955-A-G. GRCh37 (hg19) VCF-style: chr6-43501692-A-G.
Other names: c.922+12907A>G (NM_001363658.2); short protein forms F799L.
Identifiers: ClinVar variation 4729407 (VCV004729407.1).
Genomic context (GRCh38, chr6:43,533,955, plus strand): 5'-TACATTTCTTACCTAATATAGCAGATTTTTCCGCGTCAAGCATATCCAGAGCCTTGGTGA[A>G]AGGCTCTGCCATTTTGGCTAGCATTTCTGGTGCATATAATGTATTGTGGGTTCTGAAAGA-3'
Protein context (NP_065801.1, residues 789-809): PEMLAKMAEP[Phe799Leu]TKALDMLDAE

ClinVar aggregate classification (germline): Uncertain significance (1 of 4 stars; one submission).

gnomAD v4.1: 2 of 1,607,532 alleles (0.00012%); highest among the groups gnomAD compares: East Asian, 0.0022%; no homozygotes.

Submission:

Labcorp Genetics (formerly Invitae), Labcorp
Classification: Uncertain significance. Last evaluated: 2025-10-17. Review status: criteria provided, single submitter. Criteria: Invitae Variant Classification Sherloc (09022015). Collection method: clinical testing. Allele origin: germline.
Comment: This sequence change replaces phenylalanine, which is neutral and non-polar, with leucine, which is neutral and non-polar, at codon 799 of the XPO5 protein (p.Phe799Leu). This variant is present in population databases (no rsID available, gnomAD 0.006%). This variant has not been reported in the literature in individuals affected with XPO5-related conditions. An algorithm developed to predict the effect of missense changes on protein structure and function (PolyPhen-2) suggests that this variant is likely to be tolerated. In summary, the available evidence is currently insufficient to determine the role of this variant in disease. Therefore, it has been classified as a Variant of Uncertain Significance.